The following is an entry in ClinVar:

ClinVar aggregate classification (germline): Uncertain significance (1 of 4 stars; one submission).

Conditions:
Cardiovascular phenotype. Identifiers: MedGen CN230736.

Submission:

Ambry Genetics
Classification: Uncertain significance for Cardiovascular phenotype. Last evaluated: 2026-04-27. Review status: criteria provided, single submitter. Criteria: Ambry Variant Classification Scheme 2023. Collection method: clinical testing. Allele origin: germline.
Comment: The p.S1993R variant (also known as c.5977A>C), located in coding exon 2 of the ZNF469 gene, results from an A to C substitution at nucleotide position 5977. The serine at codon 1993 is replaced by arginine, an amino acid with dissimilar properties. This amino acid position is conserved. In addition, this alteration is predicted to be tolerated by in silico analysis. Based on the available evidence, the clinical significance of this variant remains unclear.

NM_001367624.2(ZNF469):c.6061A>C (p.Ser2021Arg)

Gene: ZNF469 (zinc finger protein 469; plus strand). Cytogenetic location: 16q24.2.
Variant type: single nucleotide variant.
Coding change: c.6061A>C on transcript NM_001367624.2 (MANE Select); coding-DNA position 6061, A replaced by C.
Protein change: p.Ser2021Arg; replaces serine 2021 with arginine.
Molecular consequence: missense variant.
Genome position (GRCh38, 1-based): chr16:88,433,531, A>C. VCF-style: chr16-88433531-A-C. GRCh37 (hg19) VCF-style: chr16-88499939-A-C.
Other names: NM_001127464.1:c.5977A>C; short protein forms S2021R.
Identifiers: ClinVar variation 4867006 (VCV004867006.1).